The following is an entry in ClinVar:

NM_018972.4(GDAP1):c.161A>G (p.His54Arg)

Gene: GDAP1 (ganglioside induced differentiation associated protein 1; plus strand). Cytogenetic location: 8q21.11.
Variant type: single nucleotide variant.
Coding change: c.161A>G on transcript NM_018972.4 (MANE Select); coding-DNA position 161, A replaced by G.
Protein change: p.His54Arg; replaces histidine 54 with arginine.
Molecular consequence: missense variant. On other transcripts: 5 prime UTR variant (2), intron variant (1).
Genome position (GRCh38, 1-based): chr8:74,351,317, A>G. VCF-style: chr8-74351317-A-G. GRCh37 (hg19) VCF-style: chr8-75263552-A-G.
Other names: c.-44A>G (NM_001040875.4); c.-22A>G (NM_001362929.2); c.161A>G, p.His54Arg (NM_001362930.2, NM_001362931.2); c.-18+739A>G (NM_001362932.2); short protein forms H54R.
Identifiers: ClinVar variation 467757 (VCV000467757.8), dbSNP rs1441803924, ClinGen allele CA371499329.

ClinVar aggregate classification (germline): Uncertain significance (1 of 4 stars; one submission).

Conditions:
Charcot-Marie-Tooth disease type 4A. Also called: Charcot-Marie-Tooth disease, demyelinating, autosomal recessive, type 4a. Identifiers: Orphanet 99948, MedGen C1859198, MONDO:0008961, OMIM 214400.

Allele frequency attached by ClinVar (database versions not stated): TOPMed below 0.00001; gnomAD 0.00001.
gnomAD v4.1: 6 of 1,614,052 alleles (0.00037%); highest among the groups gnomAD compares: Non-Finnish European, 0.00051%; no homozygotes.

Submission:

Labcorp Genetics (formerly Invitae), Labcorp
Classification: Uncertain significance for Charcot-Marie-Tooth disease type 4A. Last evaluated: 2025-07-27. Review status: criteria provided, single submitter. Criteria: Invitae Variant Classification Sherloc (09022015). Collection method: clinical testing. Allele origin: germline.
Comment: This sequence change replaces histidine, which is basic and polar, with arginine, which is basic and polar, at codon 54 of the GDAP1 protein (p.His54Arg). This variant is not present in population databases (gnomAD no frequency). This variant has not been reported in the literature in individuals affected with GDAP1-related conditions. ClinVar contains an entry for this variant (Variation ID: 467757). Invitae Evidence Modeling of protein sequence and biophysical properties (such as structural, functional, and spatial information, amino acid conservation, physicochemical variation, residue mobility, and thermodynamic stability) indicates that this missense variant is not expected to disrupt GDAP1 protein function with a negative predictive value of 80%. In summary, the available evidence is currently insufficient to determine the role of this variant in disease. Therefore, it has been classified as a Variant of Uncertain Significance.